The following is an entry in ClinVar:

ClinVar aggregate classification (germline): Uncertain significance. Review status: criteria provided, multiple submitters, no conflicts (2 of 4 stars). 10 submissions from 10 submitters: Uncertain significance (10). Last evaluated 2025-12-17.

Conditions:
Hereditary cancer-predisposing syndrome. Also called: Tumor predisposition; Hereditary Cancer Syndrome; Neoplastic Syndromes, Hereditary; Hereditary neoplastic syndrome. Identifiers: Orphanet 140162, MedGen C0027672, MeSH D009386, MONDO:0015356.
Familial adenomatous polyposis 1 (FAP1). Also called: POLYPOSIS, ADENOMATOUS INTESTINAL; FAMILIAL ADENOMATOUS POLYPOSIS 1, ATTENUATED. Identifiers: MedGen C2713442, MONDO:0021056, OMIM 175100. Disease mechanism: loss of function.
Desmoid disease, hereditary (DESMD). Also called: FIBROMATOSIS, FAMILIAL INFILTRATIVE. Identifiers: Orphanet 873, MedGen C1851124, OMIM 135290. Disease mechanism: loss of function.
Classic or attenuated familial adenomatous polyposis. Identifiers: MedGen CN372698, MONDO:0021057.

Allele frequency attached by ClinVar (database versions not stated): TOPMed below 0.00001.
gnomAD v4.1: 15 of 1,613,856 alleles (0.00093%); highest among the groups gnomAD compares: Non-Finnish European, 0.0012%; no homozygotes.

Submissions (10):

Labcorp Genetics (formerly Invitae), Labcorp
Classification: Uncertain significance for Familial adenomatous polyposis 1. Last evaluated: 2025-12-17. Review status: criteria provided, single submitter. Criteria: Invitae Variant Classification Sherloc (09022015). Collection method: clinical testing. Allele origin: germline.
Comment: This sequence change replaces serine, which is neutral and polar, with asparagine, which is neutral and polar, at codon 494 of the APC protein (p.Ser494Asn). This variant is not present in population databases (gnomAD no frequency). This missense change has been observed in individual(s) with Lynch syndrome (PMID: 25980754). ClinVar contains an entry for this variant (Variation ID: 490207). Invitae Evidence Modeling of protein sequence and biophysical properties (such as structural, functional, and spatial information, amino acid conservation, physicochemical variation, residue mobility, and thermodynamic stability) indicates that this missense variant is not expected to disrupt APC protein function with a negative predictive value of 95%. In summary, the available evidence is currently insufficient to determine the role of this variant in disease. Therefore, it has been classified as a Variant of Uncertain Significance.

Blueprint Genetics
Classification: Uncertain significance. Last evaluated: 2024-08-19. Review status: criteria provided, single submitter. Criteria: ACMG Guidelines, 2015. Collection method: clinical testing. Allele origin: germline.

Ambry Genetics
Classification: Uncertain significance for Hereditary cancer-predisposing syndrome. Last evaluated: 2024-03-29. Review status: criteria provided, single submitter. Criteria: Ambry Variant Classification Scheme 2023. Collection method: clinical testing. Allele origin: germline.
Comment: The p.S494N variant (also known as c.1481G>A), located in coding exon 11 of the APC gene, results from a G to A substitution at nucleotide position 1481. The serine at codon 494 is replaced by asparagine, an amino acid with highly similar properties. This alteration was identified in a cohort of 1260 individuals undergoing panel testing for Lynch syndrome due to having a diagnosis of a Lynch-associated cancer and/or polyps. (Yurgelun MB et al. Gastroenterology, 2015 Sep;149:604-13.e20). This amino acid position is highly conserved in available vertebrate species. In addition, in silico predictors for this gene do not accurately predict pathogenicity. Since supporting evidence is limited at this time, the clinical significance of this alteration remains unclear.

All of Us Research Program, National Institutes of Health
Classification: Uncertain significance for Classic or attenuated familial adenomatous polyposis. Last evaluated: 2024-02-22. Review status: criteria provided, single submitter. Criteria: ACMG Guidelines, 2015. Collection method: clinical testing. Allele origin: germline. Inheritance: Autosomal dominant inheritance. Observed: 2 variant alleles, 2 heterozygotes.
Comment: This missense variant replaces serine with asparagine at codon 494 of the APC protein. Computational prediction suggests that this variant may not impact protein structure and function (internally defined REVEL score threshold <= 0.5, PMID: 27666373). To our knowledge, functional studies have not been reported for this variant. This variant has been reported in individuals suspected of with Lynch Syndrome in the literature (PMID: 25980754). This variant has not been identified in the general population by the Genome Aggregation Database (gnomAD). The available evidence is insufficient to determine the role of this variant in disease conclusively. Therefore, this variant is classified as a Variant of Uncertain Significance.

This study involves interpretation of variants in research participants for the purpose of population health screening. Participant phenotype was not available at the time of variant classification. Additional details can be found in publication PMID: 35346344, PMCID: PMC8962531

Institute for Biomarker Research, Medical Diagnostic Laboratories, L.L.C.
Classification: Uncertain significance for Hereditary cancer-predisposing syndrome. Last evaluated: 2024-01-04. Review status: criteria provided, single submitter. Criteria: ACMG Guidelines, 2015. Collection method: clinical testing. Allele origin: germline.

Department of Pathology and Laboratory Medicine, Sinai Health System
Classification: Uncertain significance for Desmoid disease, hereditary. Last evaluated: 2023-10-30. Review status: criteria provided, single submitter. Criteria: ACMG Guidelines, 2015. Collection method: clinical testing. Allele origin: germline. Affected: yes.

Baylor Genetics
Classification: Uncertain significance for Familial adenomatous polyposis 1. Last evaluated: 2023-05-23. Review status: criteria provided, single submitter. Criteria: ACMG Guidelines, 2015. Collection method: clinical testing. Allele origin: unknown.

Color Diagnostics, LLC DBA Color Health
Classification: Uncertain significance for Hereditary cancer-predisposing syndrome. Last evaluated: 2023-03-16. Review status: criteria provided, single submitter. Criteria: ACMG Guidelines, 2015. Collection method: clinical testing. Allele origin: germline.
Comment: This missense variant replaces serine with asparagine at codon 494 of the APC protein. Computational prediction suggests that this variant may not impact protein structure and function (internally defined REVEL score threshold <= 0.5, PMID: 27666373). To our knowledge, functional studies have not been reported for this variant. This variant has been reported in an individual suspected of Lynch Syndrome (PMID: 25980754). This variant has not been identified in the general population by the Genome Aggregation Database (gnomAD). The available evidence is insufficient to determine the role of this variant in disease conclusively. Therefore, this variant is classified as a Variant of Uncertain Significance.

Quest Diagnostics Nichols Institute San Juan Capistrano
Classification: Uncertain significance. Last evaluated: 2018-09-07. Review status: criteria provided, single submitter. Criteria: Quest Diagnostics criteria. Collection method: clinical testing. Allele origin: germline.

Women's Health and Genetics/Laboratory Corporation of America, LabCorp
Classification: Uncertain significance. Last evaluated: 2017-09-28. Review status: criteria provided, single submitter. Criteria: LabCorp Variant Classification Summary - May 2015. Collection method: clinical testing. Allele origin: germline.
Comment: Variant summary: The APC c.1481G>A (p.Ser494Asn) variant involves the alteration of a conserved nucleotide, resulting in a missense change located in the Armadillo repeat and Armadillo-like helical domain (InterPro) . 3/4 in silico tools predict a benign outcome for this variant (SNPsandGO not captured due to low reliability index). The variant was absent in the control population dataset of gnomAD in 246040 control chromosomes. The variant was reported in one individual undergoing genetic testing for Lynch syndrome without strong evidence for or against causality (Yurgelun_2015). Taken together, this variant is classified as VUS.

Literature cited by the submitters: PubMed 25980754 (cited by 7 submitters).

NM_000038.6(APC):c.1481G>A (p.Ser494Asn)

Gene: APC (APC regulator of Wnt signaling pathway; plus strand). Cytogenetic location: 5q22.2.
Variant type: single nucleotide variant.
Coding change: c.1481G>A on transcript NM_000038.6 (MANE Select); coding-DNA position 1481, G replaced by A.
Protein change: p.Ser494Asn; replaces serine 494 with asparagine.
Molecular consequence: missense variant.
Genome position (GRCh38, 1-based): chr5:112,827,180, G>A. VCF-style: chr5-112827180-G-A. GRCh37 (hg19) VCF-style: chr5-112162877-G-A.
Other names: c.1481G>A, p.Ser494Asn (NM_001127510.3, NM_001354895.2); c.1427G>A, p.Ser476Asn (NM_001127511.3); c.1535G>A, p.Ser512Asn (NM_001354896.2); c.1511G>A, p.Ser504Asn (NM_001354897.2); c.1406G>A, p.Ser469Asn (NM_001354898.2); c.1397G>A, p.Ser466Asn (NM_001354899.2); c.1358G>A, p.Ser453Asn (NM_001354900.2); c.1304G>A, p.Ser435Asn (NM_001354901.2); and 5 more; short protein forms S476N, S494N, S393N, S435N, S453N, S469N, S512N, S466N.
Identifiers: ClinVar variation 490207 (VCV000490207.30), dbSNP rs1554081691, ClinGen allele CA16024550.